The following is an entry in ClinVar:

ClinVar aggregate classification (germline): Conflicting classifications of pathogenicity. Review status: criteria provided, conflicting classifications (1 of 4 stars). 2 submissions from 2 submitters: Uncertain significance (1); Likely benign (1). Last evaluated 2026-01-21.

Conditions:
Neonatal-onset encephalopathy with rigidity and seizures. Also called: Lethal neonatal spasticity-epileptic encephalopathy syndrome. Identifiers: Orphanet 435845, MedGen C3281029, MONDO:0013784, OMIM 614498.

Allele frequency attached by ClinVar (database versions not stated): gnomAD exomes 0.00001; TOPMed 0.00003; gnomAD 0.00004.

Submissions (2):

Labcorp Genetics (formerly Invitae), Labcorp
Classification: Likely benign for Neonatal-onset encephalopathy with rigidity and seizures. Last evaluated: 2026-01-21. Review status: criteria provided, single submitter. Criteria: Invitae Variant Classification Sherloc (09022015). Collection method: clinical testing. Allele origin: germline.

Women's Health and Genetics/Laboratory Corporation of America, LabCorp
Classification: Uncertain significance. Last evaluated: 2025-09-05. Review status: criteria provided, single submitter. Criteria: LabCorp Variant Classification Summary - May 2015. Collection method: clinical testing. Allele origin: germline.
Comment: Variant summary: BRAT1 c.1142G>A (p.Arg381His) results in a non-conservative amino acid change in the encoded protein sequence. Algorithms developed to predict the effect of missense changes on protein structure and function are either unavailable or do not agree on the potential impact of this missense change. The variant allele was found at a frequency of 1.4e-05 in 145404 control chromosomes. The available data on variant occurrences in the general population are insufficient to allow any conclusion about variant significance. To our knowledge, no occurrence of c.1142G>A in individuals affected with BRAT1-related conditions and no experimental evidence demonstrating its impact on protein function have been reported. ClinVar contains an entry for this variant (Variation ID: 662079). Based on the evidence outlined above, the variant was classified as uncertain significance.

NM_152743.4(BRAT1):c.1142G>A (p.Arg381His)

Gene: BRAT1 (BRCA1 associated ATM activator 1; minus strand). Cytogenetic location: 7p22.3.
Variant type: single nucleotide variant.
Coding change: c.1142G>A on transcript NM_152743.4 (MANE Select); coding-DNA position 1142, G replaced by A.
Protein change: p.Arg381His; replaces arginine 381 with histidine.
Molecular consequence: missense variant. On other transcripts: non-coding transcript variant (1).
Genome position (GRCh38, 1-based): chr7:2,541,477, C>T on the plus strand (G>A on the coding strand, the complement: BRAT1 is on the minus strand). VCF-style: chr7-2541477-C-T. GRCh37 (hg19) VCF-style: chr7-2581111-C-T.
Other names: c.1142G>A, p.Arg381His (NM_001350626.2); c.617G>A, p.Arg206His (NM_001350627.2); short protein forms R206H, R381H.
Identifiers: ClinVar variation 662079 (VCV000662079.9), dbSNP rs1015313190, ClinGen allele CA152667419.